The following is an entry in ClinVar:

ClinVar aggregate classification (germline): Benign/Likely benign. Review status: criteria provided, multiple submitters, no conflicts (2 of 4 stars). 10 submissions from 10 submitters: Benign (6); Likely benign (1). 3 of the submissions do not count toward it. Last evaluated 2026-02-04.

Conditions:
Inflammatory bowel disease 25. Also called: Inflammatory bowel disease 25, early onset, autosomal recessive. Identifiers: Orphanet 238569, MedGen C2675508, MONDO:0012941, OMIM 612567.
Hepatitis B virus, susceptibility to. Also called: HBV, SUSCEPTIBILITY TO. Identifiers: MedGen C1864880, MONDO:0012488, OMIM 610424.

Allele frequency attached by ClinVar (database versions not stated): gnomAD 0.24240 and 0.25400; TOPMed 0.25604; gnomAD exomes 0.27698 and 0.33035; ExAC 0.31894; 1000 Genomes Project 30x 0.33167; 1000 Genomes Project 0.33946.
gnomAD v4.1: 444,155 of 1,613,124 alleles (28%); highest among the groups gnomAD compares: East Asian, 56%; 66,866 homozygotes.

Submissions (10):

Labcorp Genetics (formerly Invitae), Labcorp
Classification: Benign for Inflammatory bowel disease 25. Last evaluated: 2026-02-04. Review status: criteria provided, single submitter. Criteria: Invitae Variant Classification Sherloc (09022015). Collection method: clinical testing. Allele origin: germline.

Blueprint Genetics
Classification: Likely benign. Last evaluated: 2024-11-28. Review status: criteria provided, single submitter. Criteria: ACMG Guidelines, 2015. Collection method: clinical testing. Allele origin: germline.

Unidad de Genómica Garrahan, Hospital de Pediatría Garrahan
Classification: Benign. Last evaluated: 2023-11-12. Review status: criteria provided, single submitter. Criteria: ACMG Guidelines, 2015. Collection method: clinical testing. Allele origin: germline. Affected: no. Observed: 72 variant alleles.
Comment: This variant is classified as Benign based on local population frequency. This variant was detected in 75% of patients studied by a panel of primary immunodeficiencies. Number of patients: 72. Only high quality variants are reported.

Mayo Clinic Laboratories, Mayo Clinic
Classification: Benign. Last evaluated: 2018-03-22. Review status: criteria provided, single submitter. Criteria: ACMG Guidelines, 2015. Collection method: clinical testing. Allele origin: germline. Observed: 651 variant alleles.

Illumina Laboratory Services, Illumina
Classification: Benign for Inflammatory bowel disease 25. Last evaluated: 2018-03-06. Review status: criteria provided, single submitter. Criteria: ICSL Variant Classification Criteria 13 December 2019. Collection method: clinical testing. Allele origin: germline.
Comment: This variant was observed in the ICSL laboratory as part of a predisposition screen in an ostensibly healthy population. It had not been previously curated by ICSL or reported in the Human Gene Mutation Database (HGMD: prior to June 1st, 2018), and was therefore a candidate for classification through an automated scoring system. Utilizing variant allele frequency, disease prevalence and penetrance estimates, and inheritance mode, an automated score was calculated to assess if this variant is too frequent to cause the disease. Based on the score and internal cut-off values, a variant classified as benign is not then subjected to further curation. The score for this variant resulted in a classification of benign for this disease.

Laboratory for Molecular Medicine, Mass General Brigham Personalized Medicine
Classification: Benign. Last evaluated: 2016-03-28. Review status: criteria provided, single submitter. Criteria: LMM Criteria. Collection method: clinical testing. Allele origin: germline.
Comment: Variant identified in a genome or exome case(s) and assessed due to predicted null impact of the variant or pathogenic assertions in the literature or databases. Disclaimer: This variant has not undergone full assessment. The following are preliminary notes: Frequency, associated with susceptibility to hepatitis

Breakthrough Genomics
Classification: Benign. Review status: criteria provided, single submitter. Criteria: ACMG Guidelines, 2015. Collection method: not provided. Allele origin: germline. Inheritance: Autosomal recessive inheritance. Affected: yes.

OMIM
Classification: risk factor for HEPATITIS B VIRUS, SUSCEPTIBILITY TO. Last evaluated: 2006-06-13. Review status: no assertion criteria provided. Collection method: literature only. Allele origin: germline. Not counted in ClinVar's aggregate classification.

Diagnostic Laboratory, Department of Genetics, University Medical Center Groningen
Classification: Benign. Review status: no assertion criteria provided. Collection method: clinical testing. Allele origin: germline. Affected: yes. Study: VKGL Data-share Consensus. Not counted in ClinVar's aggregate classification.

Genome Diagnostics Laboratory, University Medical Center Utrecht
Classification: Benign. Review status: no assertion criteria provided. Collection method: clinical testing. Allele origin: germline. Affected: yes. Study: VKGL Data-share Consensus. Not counted in ClinVar's aggregate classification.

Literature cited by the submitters: PubMed 16757563 (cited by OMIM).

NM_000628.5(IL10RB):c.139A>G (p.Lys47Glu)

Genes: IL10RB (interleukin 10 receptor subunit beta; plus strand), IFNAR2-IL10RB (IFNAR2-IL10RB readthrough; plus strand). Cytogenetic location: 21q22.11.
Variant type: single nucleotide variant.
Coding change: c.139A>G on transcript NM_000628.5 (MANE Select); coding-DNA position 139, A replaced by G.
Protein change: p.Lys47Glu; replaces lysine 47 with glutamic acid.
Molecular consequence: missense variant.
Genome position (GRCh38, 1-based): chr21:33,268,483, A>G. VCF-style: chr21-33268483-A-G. GRCh37 (hg19) VCF-style: chr21-34640788-A-G.
Other names: E47K; short protein forms K47E.
Identifiers: ClinVar variation 16923 (VCV000016923.25), dbSNP rs2834167, ClinGen allele CA126976.